The following is an entry in ClinVar:

ClinVar aggregate classification (germline): Pathogenic (1 of 4 stars; one submission).

Conditions:
Nonsyndromic genetic hearing loss. Also called: Non-syndromic genetic deafness; Nonsyndromic hearing loss and deafness; Nonsyndromic genetic deafness. Identifiers: Orphanet 87884, MedGen C5680182, MONDO:0019497.

Submission:

INGEBI, INGEBI / CONICET
Classification: Pathogenic for Nonsyndromic hearing loss and deafness. Last evaluated: 2020-08-31. Review status: criteria provided, single submitter. Criteria: ClinGen HL ACMG Specifications v1. Collection method: clinical testing. Allele origin: germline. Inheritance: Autosomal recessive inheritance. Affected: yes. Observed: 11 variant alleles, 10 compound heterozygotes, 1 homozygote. Clinical features observed: Prelingual profound bilateral hearing loss, postlingual profound bilateral hearing loss.
Comment: Based on ACMG/AMP guidelines and Hearing Loss Expert Panel specific criteria: the deletion (g.20797177_21105945del) known as del(GJB6-D13S1830) eliminates a 309-kb fragment including the first five exons (and a portion of the sixth exon) of GJB6 and the whole CRYL1 genes. It was demonstrated that CX26 and Cx30 can form heteromeric connexons and heterotypic gap-junction channels (PMID: 14681039). The GJB2+/- GJB6+/tm1Kwi double heterozygous mice have moderate hearing loss and a significantly reduced of endocochlear potential (PMID: 12917317, 28823936). In addition to this, functional studies in mice demonstrated that the GJB6tm1Kwi mouse is not only a GJB6 knockout but also decreases the transcription of the contiguous GJB2 gene (PMID: 19047647, 22098503). Furthermore, an independent GJB6 knock-out strain that carries a complete deletion of the GJB6 coding sequence, without inserted material, diminish the effect on GJB2 decrease expression (PMID:23303923 ). Therefore, this evidence supports the existence of a regulatory element within some part of the deletion among with the digenic pattern mode of inheritance proposed (PS3). The filter allele frequency of this variant is 0.02% from Genome Aggregation Database and Database of Genomic Variants (last update 01-04-2020 and 17-05-2020 respectively) meeting PM2_Supporting criteria. This variant was found to have a statistically higher prevalence in affected individuals over controls (PS4; PMID: 11807148). The del(GJB6-D13S1830) variant has been detected in trans with at least 4 GJB2 pathogenic variants applying to PM3_VeryStrong rule (PMID: 24158611, 11807148, 14571368). Therefore, this variant meets criteria to be classified as pathogenic for autosomal recessive non-syndromic hearing loss (PS3, PS4, PM2_Supporting, PM3_VeryStrong).

Literature cited by the submitters: PubMed 24158611; PubMed 11807148; PubMed 14571368; PubMed 14681039; PubMed 12917317; PubMed 28823936; PubMed 19047647; PubMed 22098503.

Single allele

Genes: CRYL1 (crystallin lambda 1; minus strand), GJB6 (gap junction protein beta 6; minus strand). Cytogenetic location: 13q12.11.
Variant type: Deletion.
Identifiers: ClinVar variation 978789 (VCV000978789.2).